The following is an entry in ClinVar:

NM_001375567.1(FOCAD):c.4729-4_4729-3delinsTT

Gene: FOCAD (focadhesin; plus strand). Cytogenetic location: 9p21.3.
Variant type: Indel.
Coding change: c.4729-4_4729-3delinsTT on transcript NM_001375567.1 (MANE Select); 4 bases into the intron before coding-DNA position 4729 through 3 bases into the intron before coding-DNA position 4729, GC replaced by TT.
Molecular consequence: intron variant.
Genome position (GRCh38, 1-based): chr9:20,986,284-20,986,285, GC replaced by TT. VCF-style: chr9-20986284-GC-TT. GRCh37 (hg19) VCF-style: chr9-20986283-GC-TT.
Other names: c.4729-4_4729-3delinsTT (NM_017794.5); c.4624-4_4624-3delinsTT (NM_001375568.1, NM_001375570.1).
Identifiers: ClinVar variation 3637457 (VCV003637457.2).

ClinVar aggregate classification (germline): Uncertain significance (1 of 4 stars; one submission).

Submission:

Labcorp Genetics (formerly Invitae), Labcorp
Classification: Uncertain significance. Last evaluated: 2025-10-11. Review status: criteria provided, single submitter. Criteria: Invitae Variant Classification Sherloc (09022015). Collection method: clinical testing. Allele origin: germline.
Comment: This sequence change falls in intron 41 of the FOCAD gene. It does not directly change the encoded amino acid sequence of the FOCAD protein. It affects a nucleotide within the consensus splice site. Information on the frequency of this variant in the gnomAD database is not available, as this variant may be reported differently in the database. This variant has not been reported in the literature in individuals affected with FOCAD-related conditions. ClinVar contains an entry for this variant (Variation ID: 3637457). Variants that disrupt the consensus splice site are a relatively common cause of aberrant splicing (PMID: 17576681, 9536098). In summary, the available evidence is currently insufficient to determine the role of this variant in disease. Therefore, it has been classified as a Variant of Uncertain Significance.

Literature cited by the submitters: PubMed 17576681; PubMed 9536098.